The following is an entry in ClinVar:

NM_001127208.3(TET2):c.2728C>A (p.Gln910Lys)

Genes: TET2 (tet methylcytosine dioxygenase 2; plus strand), TET2-AS1 (TET2 antisense RNA 1; minus strand). Cytogenetic location: 4q24.
Variant type: single nucleotide variant.
Coding change: c.2728C>A on transcript NM_001127208.3 (MANE Select); coding-DNA position 2728, C replaced by A.
Protein change: p.Gln910Lys; replaces glutamine 910 with lysine.
Molecular consequence: missense variant.
Genome position (GRCh38, 1-based): chr4:105,236,670, C>A. VCF-style: chr4-105236670-C-A. GRCh37 (hg19) VCF-style: chr4-106157827-C-A.
Other names: c.2728C>A, p.Gln910Lys (NM_017628.4); short protein forms Q910K.
Identifiers: ClinVar variation 3176235 (VCV003176235.2), dbSNP rs967732016, ClinGen allele CA102753055.

ClinVar aggregate classification (germline): Uncertain significance (1 of 4 stars; one submission).

Allele frequency attached by ClinVar (database versions not stated): TOPMed below 0.00001; gnomAD 0.00001.
gnomAD v4.1: 1 of 1,613,942 alleles (0.000062%); highest among the groups gnomAD compares: Non-Finnish European, 0.000085%; no homozygotes.

Submission:

Ambry Genetics
Classification: Uncertain significance. Last evaluated: 2024-12-12. Review status: criteria provided, single submitter. Criteria: Ambry Variant Classification Scheme 2023. Collection method: clinical testing. Allele origin: germline.
Comment: The p.Q910K variant (also known as c.2728C>A), located in coding exon 1 of the TET2 gene, results from a C to A substitution at nucleotide position 2728. The glutamine at codon 910 is replaced by lysine, an amino acid with similar properties. This amino acid position is conserved. In addition, this alteration is predicted to be tolerated by in silico analysis. Based on the available evidence, the clinical significance of this variant remains unclear.